The following is an entry in ClinVar:

ClinVar aggregate classification (germline): Uncertain significance (1 of 4 stars; one submission).

Conditions:
Intellectual developmental disorder, autosomal dominant 1. Also called: MBD5 Haploinsufficiency; Intellectual disability, autosomal dominant 1. Identifiers: Orphanet 228402, MedGen C1969562, MONDO:0007974, OMIM 156200.

Submission:

Labcorp Genetics (formerly Invitae), Labcorp
Classification: Uncertain significance for Intellectual developmental disorder, autosomal dominant 1. Last evaluated: 2023-03-08. Review status: criteria provided, single submitter. Criteria: Invitae Variant Classification Sherloc (09022015). Collection method: clinical testing. Allele origin: germline.
Comment: In summary, the available evidence is currently insufficient to determine the role of this variant in disease. Therefore, it has been classified as a Variant of Uncertain Significance. Advanced modeling of protein sequence and biophysical properties (such as structural, functional, and spatial information, amino acid conservation, physicochemical variation, residue mobility, and thermodynamic stability) has been performed at Invitae for this missense variant, however the output from this modeling did not meet the statistical confidence thresholds required to predict the impact of this variant on MBD5 protein function. This variant has not been reported in the literature in individuals affected with MBD5-related conditions. This variant is not present in population databases (gnomAD no frequency). This sequence change replaces glycine, which is neutral and non-polar, with valine, which is neutral and non-polar, at codon 79 of the MBD5 protein (p.Gly79Val).

NM_001378120.1(MBD5):c.236G>T (p.Gly79Val)

Gene: MBD5 (methyl-CpG binding domain protein 5; plus strand). Cytogenetic location: 2q23.1.
Variant type: single nucleotide variant.
Coding change: c.236G>T on transcript NM_001378120.1 (MANE Select); coding-DNA position 236, G replaced by T.
Protein change: p.Gly79Val; replaces glycine 79 with valine.
Molecular consequence: missense variant.
Genome position (GRCh38, 1-based): chr2:148,463,758, G>T. VCF-style: chr2-148463758-G-T. GRCh37 (hg19) VCF-style: chr2-149221327-G-T.
Other names: c.236G>T, p.Gly79Val (NM_018328.5); short protein forms G79V.
Identifiers: ClinVar variation 2844126 (VCV002844126.3), dbSNP rs34995577, ClinGen allele CA348716354.